The following is an entry in ClinVar:

NM_001105192.3(TLE3):c.1974+2T>C

Gene: TLE3 (TLE family member 3, transcriptional corepressor; minus strand). Cytogenetic location: 15q23.
Variant type: single nucleotide variant.
Coding change: c.1974+2T>C on transcript NM_001105192.3 (MANE Select); the canonical splice donor site of the intron after coding-DNA position 1974, T replaced by C.
Molecular consequence: splice donor variant.
Genome position (GRCh38, 1-based): chr15:70,053,225, A>G on the plus strand (T>C on the coding strand, the complement: TLE3 is on the minus strand). VCF-style: chr15-70053225-A-G. GRCh37 (hg19) VCF-style: chr15-70345564-A-G.
Other names: c.1956+2T>C (NM_001438837.1); c.1965+2T>C (NM_001438836.1); c.1932+2T>C (NM_001438838.1); c.1947+2T>C (NM_020908.3); c.1959+2T>C (NM_001282979.2); c.1968+2T>C (NM_001282980.2); c.1983+2T>C (NM_005078.4); c.1989+2T>C (NM_001438148.1); and 3 more.
Identifiers: ClinVar variation 5001656 (VCV005001656.1).

ClinVar aggregate classification (germline): Uncertain significance (1 of 4 stars; one submission).

Conditions:
TLE3-related condition.

Submission:

PreventionGenetics, part of Exact Sciences
Classification: Uncertain significance for TLE3-related condition. Last evaluated: 2025-08-06. Review status: criteria provided, single submitter. Criteria: ACMG Guidelines, 2015. Collection method: clinical testing. Allele origin: germline.
Comment: The TLE3 c.1983+2T>C variant is predicted to disrupt the GT donor site and interfere with normal splicing. To our knowledge, this variant has not been reported in the literature or in a large population database (gnomAD), indicating this variant is rare. At this time, the clinical significance of this variant is uncertain due to the absence of conclusive functional and genetic evidence.